The following is an entry in ClinVar:

NM_001271.4(CHD2):c.2999G>A (p.Arg1000Gln)

Genes: CHD2 (chromodomain helicase DNA binding protein 2; plus strand), LOC126862230 (P300/CBP strongly-dependent group 1 enhancer GRCh37_chr15:93523977-93525176; plus strand). Cytogenetic location: 15q26.1.
Variant type: single nucleotide variant.
Coding change: c.2999G>A on transcript NM_001271.4 (MANE Select); coding-DNA position 2999, G replaced by A.
Protein change: p.Arg1000Gln; replaces arginine 1000 with glutamine.
Molecular consequence: missense variant.
Genome position (GRCh38, 1-based): chr15:92,981,390, G>A. VCF-style: chr15-92981390-G-A. GRCh37 (hg19) VCF-style: chr15-93524620-G-A.
Other names: short protein forms R1000Q.
Identifiers: ClinVar variation 377046 (VCV000377046.5), dbSNP rs777710376, ClinGen allele CA7748123.

ClinVar aggregate classification (germline): Uncertain significance. Review status: criteria provided, multiple submitters, no conflicts (2 of 4 stars). 2 submissions from 2 submitters: Uncertain significance (2). Last evaluated 2024-11-18.

Conditions:
Developmental and epileptic encephalopathy 94 (DEE94). Also called: CHD2-Related Neurodevelopmental Disorders; Epileptic encephalopathy, childhood-onset. Identifiers: Orphanet 1942, Orphanet 2382, MedGen C3809278, MONDO:0014150, OMIM 615369.

Allele frequency attached by ClinVar (database versions not stated): ExAC below 0.00001; gnomAD exomes below 0.00001.
gnomAD v4.1: 5 of 1,613,400 alleles (0.00031%); highest among the groups gnomAD compares: Non-Finnish European, 0.00034%; no homozygotes.

Submissions (2):

Labcorp Genetics (formerly Invitae), Labcorp
Classification: Uncertain significance for Developmental and epileptic encephalopathy 94. Last evaluated: 2024-11-18. Review status: criteria provided, single submitter. Criteria: Invitae Variant Classification Sherloc (09022015). Collection method: clinical testing. Allele origin: germline.
Comment: This sequence change replaces arginine, which is basic and polar, with glutamine, which is neutral and polar, at codon 1000 of the CHD2 protein (p.Arg1000Gln). This variant is not present in population databases (gnomAD no frequency). This missense change has been observed in individual(s) with clinical features of CHD2-related conditions (PMID: 27824329, 31981491, 35982159). ClinVar contains an entry for this variant (Variation ID: 377046). Invitae Evidence Modeling of protein sequence and biophysical properties (such as structural, functional, and spatial information, amino acid conservation, physicochemical variation, residue mobility, and thermodynamic stability) indicates that this missense variant is not expected to disrupt CHD2 protein function with a negative predictive value of 95%. In summary, the available evidence is currently insufficient to determine the role of this variant in disease. Therefore, it has been classified as a Variant of Uncertain Significance.

Center for Pediatric Genomic Medicine, Children's Mercy Hospital and Clinics
Classification: Uncertain significance. Last evaluated: 2016-07-13. Review status: criteria provided, single submitter. Criteria: ACMG Guidelines, 2015. Collection method: clinical testing. Allele origin: germline.
ClinVar note: Converted during submission from Uncertain Significance to Uncertain significance.

Literature cited by the submitters: PubMed 27824329 (cited by Labcorp Genetics (formerly Invitae), Labcorp); PubMed 31981491 (cited by Labcorp Genetics (formerly Invitae), Labcorp); PubMed 35982159 (cited by Labcorp Genetics (formerly Invitae), Labcorp).